The following is an entry in ClinVar:

NM_002439.5(MSH3):c.1126G>T (p.Glu376Ter)

Gene: MSH3 (mutS homolog 3; plus strand). Cytogenetic location: 5q14.1.
Variant type: single nucleotide variant.
Coding change: c.1126G>T on transcript NM_002439.5 (MANE Select); coding-DNA position 1126, G replaced by T.
Protein change: p.Glu376Ter; replaces glutamic acid 376 with a stop codon.
Molecular consequence: nonsense.
Genome position (GRCh38, 1-based): chr5:80,675,081, G>T. VCF-style: chr5-80675081-G-T. GRCh37 (hg19) VCF-style: chr5-79970900-G-T.
Other names: short protein forms E376*.
Identifiers: ClinVar variation 1799225 (VCV001799225.2), dbSNP rs1294556697, ClinGen allele CA360268193.

ClinVar aggregate classification (germline): Pathogenic (1 of 4 stars; one submission).

Conditions:
Hereditary cancer-predisposing syndrome. Also called: Neoplastic Syndromes, Hereditary; Tumor predisposition; Hereditary Cancer Syndrome; Hereditary neoplastic syndrome. Identifiers: Orphanet 140162, MedGen C0027672, MeSH D009386, MONDO:0015356.

Submission:

Ambry Genetics
Classification: Pathogenic for Hereditary cancer-predisposing syndrome. Last evaluated: 2021-11-11. Review status: criteria provided, single submitter. Criteria: Ambry Variant Classification Scheme 2023. Collection method: clinical testing. Allele origin: germline.
Comment: The p.E376* pathogenic mutation (also known as c.1126G>T), located in coding exon 7 of the MSH3 gene, results from a G to T substitution at nucleotide position 1126. This changes the amino acid from a glutamic acid to a stop codon within coding exon 7. This alteration is expected to result in loss of function by premature protein truncation or nonsense-mediated mRNA decay. As such, this alteration is interpreted as a disease-causing mutation.